The following is an entry in ClinVar:

NM_016628.5(WAC):c.382-2A>G

Gene: WAC (WW domain containing adaptor with coiled-coil; plus strand). Cytogenetic location: 10p12.1.
Variant type: single nucleotide variant.
Coding change: c.382-2A>G on transcript NM_016628.5 (MANE Select); the canonical splice acceptor site of the intron before coding-DNA position 382, A replaced by G.
Molecular consequence: splice acceptor variant.
Genome position (GRCh38, 1-based): chr10:28,589,734, A>G. VCF-style: chr10-28589734-A-G. GRCh37 (hg19) VCF-style: chr10-28878663-A-G.
Other names: c.247-2A>G (NM_100264.3); c.382-2A>G (NM_100486.4).
Identifiers: ClinVar variation 489085 (VCV000489085.2), dbSNP rs1554787096, ClinGen allele CA376401209.

ClinVar aggregate classification (germline): Pathogenic (1 of 4 stars; one submission).

Submission:

GeneDx
Classification: Pathogenic. Last evaluated: 2017-11-01. Review status: criteria provided, single submitter. Criteria: GeneDx Variant Classification (06012015). Collection method: clinical testing. Allele origin: germline. Affected: yes.
Comment: The c.382-2A>G variant in the WAC gene has not been reported previously as a pathogenic variant nor as a benign variant, to our knowledge. This splice site variant destroys the canonical splice acceptor site in intron 4. It is predicted to cause abnormal gene splicing, either leading to an abnormal message that is subject to nonsense-mediated mRNA decay, or to an abnormal protein product if the message is used for protein translation. The c.382-2A>G variant is not observed in large population cohorts (Lek et al., 2016). We interpret c.382-2A>G as a pathogenic variant.